The following is an entry in ClinVar:

ClinVar aggregate classification (germline): Uncertain significance. Review status: criteria provided, multiple submitters, no conflicts (2 of 4 stars). 2 submissions from 2 submitters: Uncertain significance (2). Last evaluated 2025-08-30.

Conditions:
Inborn genetic diseases. Identifiers: MedGen C0950123, MeSH D030342.

Allele frequency attached by ClinVar (database versions not stated): gnomAD 0.00004 and 0.00005; TOPMed 0.00006; ESP Exome Variant Server 0.00008; 1000 Genomes Project 30x 0.00016; 1000 Genomes Project 0.00020.
gnomAD v4.1: 31 of 1,613,860 alleles (0.0019%); highest among the groups gnomAD compares: East Asian, 0.0067%; no homozygotes.

Submissions (2):

Ambry Genetics
Classification: Uncertain significance for Inborn genetic diseases. Last evaluated: 2025-08-30. Review status: criteria provided, single submitter. Criteria: Ambry Variant Classification Scheme 2023. Collection method: clinical testing. Allele origin: germline.

Labcorp Genetics (formerly Invitae), Labcorp
Classification: Uncertain significance. Last evaluated: 2022-10-17. Review status: criteria provided, single submitter. Criteria: Invitae Variant Classification Sherloc (09022015). Collection method: clinical testing. Allele origin: germline.
Comment: This sequence change replaces arginine, which is basic and polar, with histidine, which is basic and polar, at codon 1870 of the SZT2 protein (p.Arg1870His). This variant is present in population databases (rs375009349, gnomAD 0.01%). This variant has not been reported in the literature in individuals affected with SZT2-related conditions. ClinVar contains an entry for this variant (Variation ID: 969363). Advanced modeling of protein sequence and biophysical properties (such as structural, functional, and spatial information, amino acid conservation, physicochemical variation, residue mobility, and thermodynamic stability) performed at Invitae indicates that this missense variant is expected to disrupt SZT2 protein function. In summary, the available evidence is currently insufficient to determine the role of this variant in disease. Therefore, it has been classified as a Variant of Uncertain Significance.

NM_001365999.1(SZT2):c.5780G>A (p.Arg1927His)

Gene: SZT2 (SZT2 subunit of KICSTOR complex; plus strand). Cytogenetic location: 1p34.2.
Variant type: single nucleotide variant.
Coding change: c.5780G>A on transcript NM_001365999.1 (MANE Select); coding-DNA position 5780, G replaced by A.
Protein change: p.Arg1927His; replaces arginine 1927 with histidine.
Molecular consequence: missense variant.
Genome position (GRCh38, 1-based): chr1:43,433,166, G>A. VCF-style: chr1-43433166-G-A. GRCh37 (hg19) VCF-style: chr1-43898837-G-A.
Other names: c.5609G>A, p.Arg1870His (NM_015284.4); short protein forms R1927H, R1870H.
Identifiers: ClinVar variation 969363 (VCV000969363.7), dbSNP rs375009349, ClinGen allele CA809690.